The following is an entry in ClinVar:

NM_014994.3(MAPKBP1):c.3940C>T (p.Arg1314Trp)

Gene: MAPKBP1 (mitogen-activated protein kinase binding protein 1; plus strand). Cytogenetic location: 15q15.1.
Variant type: single nucleotide variant.
Coding change: c.3940C>T on transcript NM_014994.3 (MANE Select); coding-DNA position 3940, C replaced by T.
Protein change: p.Arg1314Trp; replaces arginine 1314 with tryptophan.
Molecular consequence: missense variant. On other transcripts: non-coding transcript variant (2), intron variant (1).
Genome position (GRCh38, 1-based): chr15:41,823,788, C>T. VCF-style: chr15-41823788-C-T. GRCh37 (hg19) VCF-style: chr15-42115986-C-T.
Other names: c.3958C>T, p.Arg1320Trp (NM_001128608.2); c.3383-696C>T (NM_001265611.2); c.3958C>T (NM_001128608.1); short protein forms R1320W, R1314W.
Identifiers: ClinVar variation 1372986 (VCV001372986.9), dbSNP rs745340429, ClinGen allele CA7498696.

ClinVar aggregate classification (germline): Uncertain significance. Review status: criteria provided, multiple submitters, no conflicts (2 of 4 stars). 2 submissions from 2 submitters: Uncertain significance (2). Last evaluated 2025-08-15.

Conditions:
Inborn genetic diseases. Identifiers: MedGen C0950123, MeSH D030342.

Allele frequency attached by ClinVar (database versions not stated): gnomAD 0.00001; gnomAD exomes 0.00001 and 0.00002; ExAC 0.00002; TOPMed 0.00005.
gnomAD v4.1: 25 of 1,614,136 alleles (0.0015%); highest among the groups gnomAD compares: East Asian, 0.016%; no homozygotes.

Submissions (2):

Ambry Genetics
Classification: Uncertain significance for Inborn genetic diseases. Last evaluated: 2025-08-15. Review status: criteria provided, single submitter. Criteria: Ambry Variant Classification Scheme 2023. Collection method: clinical testing. Allele origin: germline.

Labcorp Genetics (formerly Invitae), Labcorp
Classification: Uncertain significance. Last evaluated: 2021-08-04. Review status: criteria provided, single submitter. Criteria: Invitae Variant Classification Sherloc (09022015). Collection method: clinical testing. Allele origin: germline.
Comment: This sequence change replaces arginine with tryptophan at codon 1320 of the MAPKBP1 protein (p.Arg1320Trp). The arginine residue is weakly conserved and there is a moderate physicochemical difference between arginine and tryptophan. In summary, the available evidence is currently insufficient to determine the role of this variant in disease. Therefore, it has been classified as a Variant of Uncertain Significance. Algorithms developed to predict the effect of missense changes on protein structure and function output the following: SIFT: "Deleterious"; PolyPhen-2: "Benign"; Align-GVGD: "Class C0". The tryptophan amino acid residue is found in multiple mammalian species, which suggests that this missense change does not adversely affect protein function. This variant has not been reported in the literature in individuals affected with MAPKBP1-related conditions. This variant is present in population databases (rs745340429, ExAC 0.009%).